The following is an entry in ClinVar:

NM_144997.7(FLCN):c.1690C>T (p.His564Tyr)

Gene: FLCN (folliculin; minus strand). Cytogenetic location: 17p11.2.
Variant type: single nucleotide variant.
Coding change: c.1690C>T on transcript NM_144997.7 (MANE Select); coding-DNA position 1690, C replaced by T.
Protein change: p.His564Tyr; replaces histidine 564 with tyrosine.
Molecular consequence: missense variant.
Genome position (GRCh38, 1-based): chr17:17,213,705, G>A on the plus strand (C>T on the coding strand, the complement: FLCN is on the minus strand). VCF-style: chr17-17213705-G-A. GRCh37 (hg19) VCF-style: chr17-17117019-G-A.
Other names: c.1690C>T (LRG_325t1); c.1744C>T, p.His582Tyr (NM_001353229.2); c.1690C>T, p.His564Tyr (NM_001353230.2, NM_001353231.2); short protein forms H564Y, H582Y.
Identifiers: ClinVar variation 480818 (VCV000480818.10), dbSNP rs1555606350, ClinGen allele CA398529843.

ClinVar aggregate classification (germline): Uncertain significance. Review status: criteria provided, multiple submitters, no conflicts (2 of 4 stars). 2 submissions from 2 submitters: Uncertain significance (2). Last evaluated 2025-10-01.

Conditions:
Hereditary cancer-predisposing syndrome. Also called: Hereditary neoplastic syndrome; Neoplastic Syndromes, Hereditary; Tumor predisposition; Hereditary Cancer Syndrome. Identifiers: Orphanet 140162, MedGen C0027672, MeSH D009386, MONDO:0015356.
Birt-Hogg-Dube syndrome. Also called: Birt Hogg Dubé syndrome. Identifiers: Orphanet 122, MedGen C0346010, MONDO:0800444.

Submissions (2):

Labcorp Genetics (formerly Invitae), Labcorp
Classification: Uncertain significance for Birt-Hogg-Dube syndrome. Last evaluated: 2025-10-01. Review status: criteria provided, single submitter. Criteria: Invitae Variant Classification Sherloc (09022015). Collection method: clinical testing. Allele origin: germline.
Comment: This sequence change replaces histidine, which is basic and polar, with tyrosine, which is neutral and polar, at codon 564 of the FLCN protein (p.His564Tyr). This variant is not present in population databases (gnomAD no frequency). This variant has not been reported in the literature in individuals affected with FLCN-related conditions. ClinVar contains an entry for this variant (Variation ID: 480818). Invitae Evidence Modeling of protein sequence and biophysical properties (such as structural, functional, and spatial information, amino acid conservation, physicochemical variation, residue mobility, and thermodynamic stability) indicates that this missense variant is not expected to disrupt FLCN protein function with a negative predictive value of 80%. In summary, the available evidence is currently insufficient to determine the role of this variant in disease. Therefore, it has been classified as a Variant of Uncertain Significance.

Ambry Genetics
Classification: Uncertain significance for Hereditary cancer-predisposing syndrome. Last evaluated: 2016-02-12. Review status: criteria provided, single submitter. Criteria: Ambry Variant Classification Scheme 2023. Collection method: clinical testing. Allele origin: germline.
Comment: The p.H564Y variant (also known as c.1690C>T), located in coding exon 11 of the FLCN gene, results from a C to T substitution at nucleotide position 1690. The histidine at codon 564 is replaced by tyrosine, an amino acid with similar properties. This variant was not reported in population based cohorts in the following databases: Database of Single Nucleotide Polymorphisms (dbSNP), NHLBI Exome Sequencing Project (ESP), and 1000 Genomes Project. In the ESP, this variant was not observed in 6503 samples (13006 alleles) with coverage at this position. To date, this alteration has been detected with an allele frequency of approximately 0.01% (greater than 10000 alleles tested) in our clinical cohort. This amino acid position is highly conserved in available vertebrate species. In addition, the in silico prediction for this alteration is inconclusive. Since supporting evidence is limited at this time, the clinical significance of this alteration remains unclear.